The following is an entry in ClinVar:

ClinVar aggregate classification (germline): Likely benign. Review status: criteria provided, single submitter (1 of 4 stars). 2 submissions from 2 submitters: Likely benign (1). 1 of the submissions does not count toward it. Last evaluated 2023-04-06.

Conditions:
ARID1B-Related Disorder. Identifiers: MedGen CN381337.

Allele frequency attached by ClinVar (database versions not stated): TOPMed 0.00003.
gnomAD v4.1: 6 of 1,536,776 alleles (0.00039%); highest among the groups gnomAD compares: Admixed American, 0.0099%; no homozygotes.

Submissions (2):

Labcorp Genetics (formerly Invitae), Labcorp
Classification: Likely benign. Last evaluated: 2023-04-06. Review status: criteria provided, single submitter. Criteria: Invitae Variant Classification Sherloc (09022015). Collection method: clinical testing. Allele origin: germline.

PreventionGenetics, part of Exact Sciences
Classification: Likely benign for ARID1B-related condition. Last evaluated: 2022-11-16. Review status: no assertion criteria provided. Collection method: clinical testing. Allele origin: germline. Not counted in ClinVar's aggregate classification.
Comment: This variant is classified as likely benign based on ACMG/AMP sequence variant interpretation guidelines (Richards et al. 2015 PMID: 25741868, with internal and published modifications).

NM_001374828.1(ARID1B):c.588C>T (p.Phe196=)

Genes: ARID1B (AT-rich interaction domain 1B; plus strand), LOC115308161 (uncharacterized LOC115308161; minus strand). Cytogenetic location: 6q25.3.
Variant type: single nucleotide variant.
Coding change: c.588C>T on transcript NM_001374828.1 (MANE Select); coding-DNA position 588, C replaced by T.
Protein change: p.Phe196=; no amino-acid change (phenylalanine 196 retained).
Molecular consequence: synonymous variant. On other transcripts: non-coding transcript variant (1).
Genome position (GRCh38, 1-based): chr6:156,778,268, C>T. VCF-style: chr6-156778268-C-T. GRCh37 (hg19) VCF-style: chr6-157099402-C-T.
Other names: c.339C>T, p.Phe113= (NM_001346813.1, NM_020732.3); c.588C>T, p.Phe196= (NM_001371656.1, NM_001374820.1, NM_017519.3); c.165C>T, p.Phe55= (NM_175863.2).
Identifiers: ClinVar variation 2171589 (VCV002171589.6), dbSNP rs905464015, ClinGen allele CA150802711.